The following is an entry in ClinVar:

ClinVar aggregate classification (germline): Uncertain significance (1 of 4 stars; one submission).

Conditions:
Tuberous sclerosis 2 (TSC2). Identifiers: Orphanet 805, MedGen C1860707, MONDO:0013199, OMIM 613254.

Submission:

Labcorp Genetics (formerly Invitae), Labcorp
Classification: Uncertain significance for Tuberous sclerosis 2. Last evaluated: 2022-11-17. Review status: criteria provided, single submitter. Criteria: Invitae Variant Classification Sherloc (09022015). Collection method: clinical testing. Allele origin: germline.
Comment: In summary, the available evidence is currently insufficient to determine the role of this variant in disease. Therefore, it has been classified as a Variant of Uncertain Significance. This variant disrupts a region of the TSC2 protein in which other variant(s) (p.Leu1750Pro) have been observed in individuals with TSC2-related conditions (PMID: 29432982). This suggests that this is a clinically significant region of the protein, and that variants that disrupt it are likely to be disease-causing. This variant has been observed in individual(s) with TSC2-related conditions (Invitae). This variant is not present in population databases (gnomAD no frequency). This variant, c.5240_5251del, is a complex sequence change that results in the deletion of 5 and insertion of 1 amino acid(s) in the TSC2 protein (p.Ile1747_Arg1751delinsSer).

Literature cited by the submitters: PubMed 29432982.

NM_000548.5(TSC2):c.5240_5251del (p.Ile1747_Arg1751delinsSer)

Gene: TSC2 (TSC complex subunit 2; plus strand). Cytogenetic location: 16p13.3.
Variant type: Deletion.
Coding change: c.5240_5251del on transcript NM_000548.5 (MANE Select); coding-DNA positions 5240 to 5251, 12 bases deleted (TCAAGCGGCTCC).
Protein change: p.Ile1747_Arg1751delinsSer.
Molecular consequence: inframe indel.
Genome position (GRCh38, 1-based): chr16:2,088,306-2,088,317, TCAAGCGGCTCC deleted. VCF-style (leftmost placement, unchanged base first): chr16-2088305-ATCAAGCGGCTCC-A. GRCh37 (hg19) VCF-style: chr16-2138306-ATCAAGCGGCTCC-A.
Other names: c.4895_4906del, p.Ile1632_Arg1636delinsSer (NM_001318829.2); c.4508_4519del, p.Ile1503_Arg1507delinsSer (NM_001318831.2); c.5072_5083del, p.Ile1691_Arg1695delinsSer (NM_001318832.2); c.5099_5110del, p.Ile1700_Arg1704delinsSer (NM_001370405.1); c.5237_5248delTCAAGCGGCTCC, p.Ile1746_Arg1750delinsSer (NM_001406663.1); c.5042_5053del, p.Ile1681_Arg1685delinsSer (NM_001363528.2); c.5108_5119del, p.Ile1703_Arg1707delinsSer (NM_001370404.1); c.5168_5179delTCAAGCGGCTCC, p.Ile1723_Arg1727delinsSer (NM_001406664.1); and 27 more.
Identifiers: ClinVar variation 2119302 (VCV002119302.4), dbSNP rs2544498898, ClinGen allele CA2580091167.